The following is an entry in ClinVar:

NM_000059.4(BRCA2):c.5500_5501del (p.Asn1833_Ser1834insTer)

Gene: BRCA2 (BRCA2 DNA repair associated; plus strand). Cytogenetic location: 13q13.1.
Variant type: Deletion.
Coding change: c.5500_5501del on transcript NM_000059.4 (MANE Select); coding-DNA positions 5500 to 5501, 2 bases deleted (AG; older notation c.5500_5501delAG).
Protein change: p.Asn1833_Ser1834insTer.
Molecular consequence: nonsense. On other transcripts: frameshift variant (2).
Genome position (GRCh38, 1-based): chr13:32,339,855-32,339,856, AG deleted. VCF-style (leftmost placement, unchanged base first): chr13-32339854-TAG-T. GRCh37 (hg19) VCF-style: chr13-32913991-TAG-T.
Other names: c.5500_5501delAG, p.Ser1834Terfs (NM_001406719.1, NM_001406720.1).
Identifiers: ClinVar variation 1747979 (VCV001747979.2), dbSNP rs2548530963, ClinGen allele CA2580087598.
Genomic context (GRCh38, chr13:32,339,854, plus strand): 5'-TGTGACTAGCTCTTCACCCTGCAAAAATAAAAATGCAGCCATTAAATTGTCCATATCTAA[TAG>T]TAATAATTTTGAGGTAGGGCCACCTGCATTTAGGATAGCCAGTGGTAAAATCGTTTGTGT-3'

ClinVar aggregate classification (germline): Pathogenic (1 of 4 stars; one submission).

Conditions:
Hereditary cancer-predisposing syndrome. Also called: Hereditary Cancer Syndrome; Hereditary neoplastic syndrome; Neoplastic Syndromes, Hereditary; Tumor predisposition. Identifiers: Orphanet 140162, MedGen C0027672, MeSH D009386, MONDO:0015356.

Submission:

Ambry Genetics
Classification: Pathogenic for Hereditary cancer-predisposing syndrome. Last evaluated: 2022-04-01. Review status: criteria provided, single submitter. Criteria: Ambry Variant Classification Scheme 2023. Collection method: clinical testing. Allele origin: germline.
Comment: The c.5500_5501delAG pathogenic mutation, located in coding exon 10 of the BRCA2 gene, results from a deletion of two nucleotides at nucleotide positions 5500 to 5501, causing a translational frameshift with a predicted alternate stop codon (p.S1834*). This variant is considered to be rare based on population cohorts in the Genome Aggregation Database (gnomAD). This alteration is expected to result in loss of function by premature protein truncation or nonsense-mediated mRNA decay. As such, this alteration is interpreted as a disease-causing mutation.